The following is an entry in ClinVar:

ClinVar aggregate classification (germline): Uncertain significance (0 of 4 stars; one submission).

Conditions:
SETD1A-related disorder. Also called: SETD1A-related condition.

Submission:

PreventionGenetics, part of Exact Sciences
Classification: Uncertain significance for SETD1A-related condition. Last evaluated: 2024-04-04. Review status: no assertion criteria provided. Collection method: clinical testing. Allele origin: germline.
Comment: The SETD1A c.1802C>G variant is predicted to result in the amino acid substitution p.Pro601Arg. To our knowledge, this variant has not been reported in the literature or in a large population database, indicating this variant is rare. At this time, the clinical significance of this variant is uncertain due to the absence of conclusive functional and genetic evidence.

NM_014712.3(SETD1A):c.1802C>G (p.Pro601Arg)

Gene: SETD1A (SET domain containing 1A, histone lysine methyltransferase; plus strand). Cytogenetic location: 16p11.2.
Variant type: single nucleotide variant.
Coding change: c.1802C>G on transcript NM_014712.3 (MANE Select); coding-DNA position 1802, C replaced by G.
Protein change: p.Pro601Arg; replaces proline 601 with arginine.
Molecular consequence: missense variant.
Genome position (GRCh38, 1-based): chr16:30,965,683, C>G. VCF-style: chr16-30965683-C-G. GRCh37 (hg19) VCF-style: chr16-30977004-C-G.
Other names: short protein forms P601R.
Identifiers: ClinVar variation 3350104 (VCV003350104.1).